The following is an entry in ClinVar:

ClinVar aggregate classification (germline): Uncertain significance. Review status: criteria provided, multiple submitters, no conflicts (2 of 4 stars). 2 submissions from 2 submitters: Uncertain significance (2). Last evaluated 2026-01-12.

Conditions:
MAGEL2-related disorder. Also called: MAGEL2-related condition.

Submissions (2):

PreventionGenetics, part of Exact Sciences
Classification: Uncertain significance for MAGEL2-related condition. Last evaluated: 2026-01-12. Review status: criteria provided, single submitter. Criteria: ACMG Guidelines, 2015. Collection method: clinical testing. Allele origin: germline.
Comment: The MAGEL2 c.1306C>A variant is predicted to result in the amino acid substitution p.Leu436Met. To our knowledge, this variant has not been reported in the literature or in a large population database (gnomAD), indicating this variant is rare. At this time, the clinical significance of this variant is uncertain due to the absence of conclusive functional and genetic evidence.

Labcorp Genetics (formerly Invitae), Labcorp
Classification: Uncertain significance. Last evaluated: 2025-09-02. Review status: criteria provided, single submitter. Criteria: Invitae Variant Classification Sherloc (09022015). Collection method: clinical testing. Allele origin: germline.
Comment: This sequence change replaces leucine, which is neutral and non-polar, with methionine, which is neutral and non-polar, at codon 436 of the MAGEL2 protein (p.Leu436Met). This variant is not present in population databases (gnomAD no frequency). This variant has not been reported in the literature in individuals affected with MAGEL2-related conditions. ClinVar contains an entry for this variant (Variation ID: 2736532). An algorithm developed to predict the effect of missense changes on protein structure and function outputs the following: PolyPhen-2: "Not Available". The methionine amino acid residue is found in multiple mammalian species, which suggests that this missense change does not adversely affect protein function. In summary, the available evidence is currently insufficient to determine the role of this variant in disease. Therefore, it has been classified as a Variant of Uncertain Significance.

NM_019066.5(MAGEL2):c.1306C>A (p.Leu436Met)

Gene: MAGEL2 (MAGE family member L2; minus strand). Cytogenetic location: 15q11.2.
Variant type: single nucleotide variant.
Coding change: c.1306C>A on transcript NM_019066.5 (MANE Select); coding-DNA position 1306, C replaced by A.
Protein change: p.Leu436Met; replaces leucine 436 with methionine.
Molecular consequence: missense variant.
Genome position (GRCh38, 1-based): chr15:23,646,437, G>T on the plus strand (C>A on the coding strand, the complement: MAGEL2 is on the minus strand). VCF-style: chr15-23646437-G-T. GRCh37 (hg19) VCF-style: chr15-23891584-G-T.
Other names: c.1306C>A (NM_019066.4); short protein forms L436M.
Identifiers: ClinVar variation 2736532 (VCV002736532.4), dbSNP rs891546644, ClinGen allele CA391334556.